The following is an entry in ClinVar:

ClinVar aggregate classification (germline): Uncertain significance (1 of 4 stars; one submission).

Submission:

Mayo Clinic Laboratories, Mayo Clinic
Classification: Uncertain significance. Last evaluated: 2023-07-12. Review status: criteria provided, single submitter. Criteria: ACMG Guidelines, 2015. Collection method: clinical testing. Allele origin: germline. Observed: 1 variant allele.
Comment: BP4, PM2

NM_001012339.3(DNAJC21):c.1063A>G (p.Asn355Asp)

Gene: DNAJC21 (DnaJ heat shock protein family (Hsp40) member C21; plus strand). Cytogenetic location: 5p13.2.
Variant type: single nucleotide variant.
Coding change: c.1063A>G on transcript NM_001012339.3 (MANE Select); coding-DNA position 1063, A replaced by G.
Protein change: p.Asn355Asp; replaces asparagine 355 with aspartic acid.
Molecular consequence: missense variant.
Genome position (GRCh38, 1-based): chr5:34,944,946, A>G. VCF-style: chr5-34944946-A-G. GRCh37 (hg19) VCF-style: chr5-34945051-A-G.
Other names: p.Asn355Asp; c.1063A>G, p.Asn355Asp (NM_001348420.2, NM_194283.4); short protein forms N355D.
Identifiers: ClinVar variation 3379585 (VCV003379585.1).